The following is an entry in ClinVar:

NM_001375567.1(FOCAD):c.2954T>C (p.Leu985Pro)

Gene: FOCAD (focadhesin; plus strand). Cytogenetic location: 9p21.3.
Variant type: single nucleotide variant.
Coding change: c.2954T>C on transcript NM_001375567.1 (MANE Select); coding-DNA position 2954, T replaced by C.
Protein change: p.Leu985Pro; replaces leucine 985 with proline.
Molecular consequence: missense variant.
Genome position (GRCh38, 1-based): chr9:20,923,761, T>C. VCF-style: chr9-20923761-T-C. GRCh37 (hg19) VCF-style: chr9-20923760-T-C.
Other names: c.2849T>C, p.Leu950Pro (NM_001375568.1, NM_001375570.1); c.2954T>C, p.Leu985Pro (NM_017794.5); short protein forms L950P, L985P.
Identifiers: ClinVar variation 4799274 (VCV004799274.1).

ClinVar aggregate classification (germline): Uncertain significance (1 of 4 stars; one submission).

gnomAD v4.1: 4 of 1,612,584 alleles (0.00025%); highest among the groups gnomAD compares: African/African-American, 0.0053%; no homozygotes.

Submission:

Labcorp Genetics (formerly Invitae), Labcorp
Classification: Uncertain significance. Last evaluated: 2025-02-20. Review status: criteria provided, single submitter. Criteria: Invitae Variant Classification Sherloc (09022015). Collection method: clinical testing. Allele origin: germline.
Comment: This sequence change replaces leucine, which is neutral and non-polar, with proline, which is neutral and non-polar, at codon 985 of the FOCAD protein (p.Leu985Pro). This variant is not present in population databases (gnomAD no frequency). This variant has not been reported in the literature in individuals affected with FOCAD-related conditions. Experimental studies and prediction algorithms are not available or were not evaluated, and the functional significance of this variant is currently unknown. In summary, the available evidence is currently insufficient to determine the role of this variant in disease. Therefore, it has been classified as a Variant of Uncertain Significance.